The following is an entry in ClinVar:

ClinVar aggregate classification (germline): Benign. Review status: criteria provided, multiple submitters, no conflicts (2 of 4 stars). 12 submissions from 12 submitters: Benign (8). 4 of the submissions do not count toward it. Last evaluated 2026-02-04.

Conditions:
Collagen 6-related myopathy. Identifiers: MedGen CN117976, MONDO:0100225.
Bethlem myopathy 1A. Also called: Bethlem myopathy 1; Bethlem Muscular Dystrophy; MYOPATHY, BENIGN CONGENITAL, WITH CONTRACTURES. Identifiers: Orphanet 610, MedGen CN029274, MONDO:0024530, OMIM 158810.

Allele frequency attached by ClinVar (database versions not stated): ESP Exome Variant Server 0.01531; gnomAD exomes 0.02004 and 0.01708; 1000 Genomes Project 0.00859; TOPMed 0.01431; gnomAD 0.01731 and 0.01793; 1000 Genomes Project 30x 0.00890; ExAC 0.01868.

Submissions (12):

Labcorp Genetics (formerly Invitae), Labcorp
Classification: Benign for Bethlem myopathy 1A. Last evaluated: 2026-02-04. Review status: criteria provided, single submitter. Criteria: Invitae Variant Classification Sherloc (09022015). Collection method: clinical testing. Allele origin: germline.

Athena Diagnostics
Classification: Benign. Last evaluated: 2022-06-21. Review status: criteria provided, single submitter. Criteria: Athena Diagnostics Criteria. Collection method: clinical testing. Allele origin: unknown.

Illumina Laboratory Services, Illumina
Classification: Benign for Collagen VI-related myopathy. Last evaluated: 2018-01-13. Review status: criteria provided, single submitter. Criteria: ICSL Variant Classification Criteria 13 December 2019. Collection method: clinical testing. Allele origin: germline.
Comment: This variant was observed in the ICSL laboratory as part of a predisposition screen in an ostensibly healthy population. It had not been previously curated by ICSL or reported in the Human Gene Mutation Database (HGMD: prior to June 1st, 2018), and was therefore a candidate for classification through an automated scoring system. Utilizing variant allele frequency, disease prevalence and penetrance estimates, and inheritance mode, an automated score was calculated to assess if this variant is too frequent to cause the disease. Based on the score and internal cut-off values, a variant classified as benign is not then subjected to further curation. The score for this variant resulted in a classification of benign for this disease.

Mayo Clinic Laboratories, Mayo Clinic
Classification: Benign. Last evaluated: 2017-12-05. Review status: criteria provided, single submitter. Criteria: ACMG Guidelines, 2015. Collection method: clinical testing. Allele origin: germline. Observed: 24 variant alleles.

GeneDx
Classification: Benign. Last evaluated: 2016-02-17. Review status: criteria provided, single submitter. Criteria: GeneDx Variant Classification (06012015). Collection method: clinical testing. Allele origin: germline. Affected: yes.
Comment: This variant is considered likely benign or benign based on one or more of the following criteria: it is a conservative change, it occurs at a poorly conserved position in the protein, it is predicted to be benign by multiple in silico algorithms, and/or has population frequency not consistent with disease.

Eurofins Ntd Llc (ga)
Classification: Benign. Last evaluated: 2014-10-14. Review status: criteria provided, single submitter. Criteria: EGL Classification Definitions 2015. Collection method: clinical testing. Allele origin: germline. Observed: 8 variant alleles, 7 heterozygotes, 1 homozygote.

Breakthrough Genomics
Classification: Benign. Review status: criteria provided, single submitter. Criteria: ACMG Guidelines, 2015. Collection method: not provided. Allele origin: germline. Inheritance: Autosomal recessive inheritance. Affected: yes.

PreventionGenetics, part of Exact Sciences
Classification: Benign. Review status: criteria provided, single submitter. Criteria: ACMG Guidelines, 2015. Collection method: clinical testing. Allele origin: germline.

Clinical Genetics, Academic Medical Center
Classification: Benign. Review status: no assertion criteria provided. Collection method: clinical testing. Allele origin: germline. Affected: yes. Study: VKGL Data-share Consensus. Not counted in ClinVar's aggregate classification.

Genetic Services Laboratory, University of Chicago
Classification: Likely benign for AllHighlyPenetrant. Review status: no assertion criteria provided. Collection method: clinical testing. Allele origin: germline. Not counted in ClinVar's aggregate classification.
Comment: Likely benign based on allele frequency in 1000 Genomes Project or ESP global frequency and its presence in a patient with a rare or unrelated disease phenotype. NOT Sanger confirmed.

Joint Genome Diagnostic Labs from Nijmegen and Maastricht, Radboudumc and MUMC+
Classification: Benign. Review status: no assertion criteria provided. Collection method: clinical testing. Allele origin: germline. Affected: yes. Study: VKGL Data-share Consensus. Not counted in ClinVar's aggregate classification.

Laboratory of Diagnostic Genome Analysis, Leiden University Medical Center (LUMC)
Classification: Likely benign. Review status: no assertion criteria provided. Collection method: clinical testing. Allele origin: germline. Affected: yes. Study: VKGL Data-share Consensus. Not counted in ClinVar's aggregate classification.

NM_001848.3(COL6A1):c.1957-5C>T

Gene: COL6A1 (collagen type VI alpha 1 chain; plus strand). Cytogenetic location: 21q22.3.
Variant type: single nucleotide variant.
Coding change: c.1957-5C>T on transcript NM_001848.3 (MANE Select); 5 bases into the intron before coding-DNA position 1957, C replaced by T.
Molecular consequence: intron variant.
Genome position (GRCh38, 1-based): chr21:46,001,956, C>T. VCF-style: chr21-46001956-C-T. GRCh37 (hg19) VCF-style: chr21-47421870-C-T.
Other names: p.?.
Identifiers: ClinVar variation 93843 (VCV000093843.31), dbSNP rs78224483, ClinGen allele CA147355.